The following is an entry in ClinVar:

NM_032043.3(BRIP1):c.3682G>A (p.Glu1228Lys)

Gene: BRIP1 (BRCA1 interacting DNA helicase 1; minus strand). Cytogenetic location: 17q23.2.
Variant type: single nucleotide variant.
Coding change: c.3682G>A on transcript NM_032043.3 (MANE Select); coding-DNA position 3682, G replaced by A.
Protein change: p.Glu1228Lys; replaces glutamic acid 1228 with lysine.
Molecular consequence: missense variant.
Genome position (GRCh38, 1-based): chr17:61,683,364, C>T on the plus strand (G>A on the coding strand, the complement: BRIP1 is on the minus strand). VCF-style: chr17-61683364-C-T. GRCh37 (hg19) VCF-style: chr17-59760725-C-T.
Other names: short protein forms E1228K.
Identifiers: ClinVar variation 2131924 (VCV002131924.4), dbSNP rs2144067665, ClinGen allele CA400477836.

ClinVar aggregate classification (germline): Uncertain significance (1 of 4 stars; one submission).

Conditions:
Familial cancer of breast. Also called: BREAST CANCER, FAMILIAL; Hereditary breast cancer; hereditary breast carcinoma. Identifiers: Orphanet 227535, MedGen C0346153, MONDO:0016419, OMIM 114480. Disease mechanism: loss of function.
Fanconi anemia complementation group J. Also called: BRIP1-Related Fanconi Anemia. Identifiers: Orphanet 84, MedGen C1836860, MONDO:0012187, OMIM 609054.

Submission:

Labcorp Genetics (formerly Invitae), Labcorp
Classification: Uncertain significance for Familial cancer of breast; Fanconi anemia complementation group J. Last evaluated: 2022-04-29. Review status: criteria provided, single submitter. Criteria: Invitae Variant Classification Sherloc (09022015). Collection method: clinical testing. Allele origin: germline.
Comment: In summary, the available evidence is currently insufficient to determine the role of this variant in disease. Therefore, it has been classified as a Variant of Uncertain Significance. Algorithms developed to predict the effect of missense changes on protein structure and function output the following: SIFT: "Tolerated"; PolyPhen-2: "Benign"; Align-GVGD: "Class C0". The lysine amino acid residue is found in multiple mammalian species, which suggests that this missense change does not adversely affect protein function. This variant has not been reported in the literature in individuals affected with BRIP1-related conditions. This variant is not present in population databases (gnomAD no frequency). This sequence change replaces glutamic acid, which is acidic and polar, with lysine, which is basic and polar, at codon 1228 of the BRIP1 protein (p.Glu1228Lys).